The following is an entry in ClinVar:

NM_000642.3(AGL):c.1697T>A (p.Val566Asp)

Gene: AGL (amylo-alpha-1,6-glucosidase and 4-alpha-glucanotransferase; plus strand). Cytogenetic location: 1p21.2.
Variant type: single nucleotide variant.
Coding change: c.1697T>A on transcript NM_000642.3 (MANE Select); coding-DNA position 1697, T replaced by A.
Protein change: p.Val566Asp; replaces valine 566 with aspartic acid.
Molecular consequence: missense variant.
Genome position (GRCh38, 1-based): chr1:99,880,008, T>A. VCF-style: chr1-99880008-T-A. GRCh37 (hg19) VCF-style: chr1-100345564-T-A.
Other names: c.1697T>A, p.Val566Asp (NM_000028.3, NM_000643.3, NM_000644.3 and 2 more transcripts); c.1649T>A, p.Val550Asp (NM_000646.3); c.1496T>A, p.Val499Asp (NM_001425327.1); c.1493T>A, p.Val498Asp (NM_001425328.1, NM_001425329.1); c.1319T>A, p.Val440Asp (NM_001425332.1); short protein forms V566D, V550D, V440D, V498D, V499D.
Identifiers: ClinVar variation 1937705 (VCV001937705.2), dbSNP rs368749710, ClinGen allele CA966562.

ClinVar aggregate classification (germline): Uncertain significance (1 of 4 stars; one submission).

Conditions:
Glycogen storage disease type III (GSD3). Also called: Cori disease; FORBES DISEASE. Identifiers: Orphanet 366, MedGen C0017922, MONDO:0009291, OMIM 232400.

Allele frequency attached by ClinVar (database versions not stated): gnomAD exomes 0.00001; ExAC 0.00002; ESP Exome Variant Server 0.00008.
gnomAD v4.1: 7 of 1,613,740 alleles (0.00043%); highest among the groups gnomAD compares: Non-Finnish European, 0.00059%; no homozygotes.

Submission:

Labcorp Genetics (formerly Invitae), Labcorp
Classification: Uncertain significance for Glycogen storage disease type III. Last evaluated: 2021-08-20. Review status: criteria provided, single submitter. Criteria: Invitae Variant Classification Sherloc (09022015). Collection method: clinical testing. Allele origin: germline.
Comment: This sequence change replaces valine with aspartic acid at codon 566 of the AGL protein (p.Val566Asp). The valine residue is weakly conserved and there is a large physicochemical difference between valine and aspartic acid. This variant is present in population databases (rs368749710, ExAC 0.003%). This variant has not been reported in the literature in individuals affected with AGL-related conditions. Algorithms developed to predict the effect of missense changes on protein structure and function are either unavailable or do not agree on the potential impact of this missense change (SIFT: "Deleterious"; PolyPhen-2: "Possibly Damaging"; Align-GVGD: "Class C0"). In summary, the available evidence is currently insufficient to determine the role of this variant in disease. Therefore, it has been classified as a Variant of Uncertain Significance.